The following is an entry in ClinVar:

ClinVar aggregate classification (germline): Pathogenic (1 of 4 stars; one submission).

Conditions:
Curry-Hall syndrome (WAD). Also called: WEYERS ACRODENTAL DYSOSTOSIS. Identifiers: Orphanet 952, MedGen C0457013, MONDO:0008673, OMIM 193530.
Ellis-van Creveld syndrome (EVC). Also called: EVC-Related Ellis-van Creveld Syndrome; EVC2-Related Ellis-van Creveld Syndrome; MESOECTODERMAL DYSPLASIA; Chondroectodermal dysplasia. Identifiers: Orphanet 289, MedGen C0013903, MONDO:0009162, OMIM 225500.

Submission:

Labcorp Genetics (formerly Invitae), Labcorp
Classification: Pathogenic for Curry-Hall syndrome; Ellis-van Creveld syndrome. Last evaluated: 2023-03-26. Review status: criteria provided, single submitter. Criteria: Invitae Variant Classification Sherloc (09022015). Collection method: clinical testing. Allele origin: germline.
Comment: For these reasons, this variant has been classified as Pathogenic. This variant has not been reported in the literature in individuals affected with EVC2-related conditions. This variant is not present in population databases (gnomAD no frequency). This sequence change creates a premature translational stop signal (p.Trp186*) in the EVC2 gene. It is expected to result in an absent or disrupted protein product. Loss-of-function variants in EVC2 are known to be pathogenic (PMID: 17024374, 19810119, 19876929).

Literature cited by the submitters: PubMed 17024374; PubMed 19810119; PubMed 19876929.

NM_147127.5(EVC2):c.557G>A (p.Trp186Ter)

Gene: EVC2 (EvC ciliary complex subunit 2; minus strand). Cytogenetic location: 4p16.2.
Variant type: single nucleotide variant.
Coding change: c.557G>A on transcript NM_147127.5 (MANE Select); coding-DNA position 557, G replaced by A.
Protein change: p.Trp186Ter; replaces tryptophan 186 with a stop codon.
Molecular consequence: nonsense.
Genome position (GRCh38, 1-based): chr4:5,689,306, C>T on the plus strand (G>A on the coding strand, the complement: EVC2 is on the minus strand). VCF-style: chr4-5689306-C-T. GRCh37 (hg19) VCF-style: chr4-5691033-C-T.
Other names: c.317G>A, p.Trp106Ter (NM_001166136.2); short protein forms W106*, W186*.
Identifiers: ClinVar variation 2945811 (VCV002945811.3), dbSNP rs2475591669, ClinGen allele CA356148635.